The following is an entry in ClinVar:

NM_000059.4(BRCA2):c.6591_6592del (p.Glu2198fs)

Gene: BRCA2 (BRCA2 DNA repair associated; plus strand). Cytogenetic location: 13q13.1.
Variant type: Deletion.
Coding change: c.6591_6592del on transcript NM_000059.4 (MANE Select); coding-DNA positions 6591 to 6592, 2 bases deleted (TG; older notation c.6591_6592delTG).
Protein change: p.Glu2198fs; shifts the reading frame from glutamic acid 2198.
Molecular consequence: frameshift variant.
Genome position (GRCh38, 1-based): chr13:32,340,946-32,340,947, TG deleted. VCF-style (leftmost placement, unchanged base first): chr13-32340945-CTG-C. GRCh37 (hg19) VCF-style: chr13-32915082-CTG-C.
Other names: 6819delTG; c.6591_6592delTG (NM_000059.3).
Identifiers: ClinVar variation 9319 (VCV000009319.56), dbSNP rs80359605, ClinGen allele CA024193.
Genomic context (GRCh38, chr13:32,340,945, plus strand): 5'-TTCATGTTTTGGGAAAAGAACAGGCTTCACCTAAAAACGTAAAAATGGAAATTGGTAAAA[CTG>C]AAACTTTTTCTGATGTTCCTGTGAAAACAAATATAGAAGTTTGTTCTACTTACTCCAAAG-3'

ClinVar aggregate classification (germline): Pathogenic. Review status: reviewed by expert panel (3 of 4 stars). 37 submissions from 35 submitters: Pathogenic (1). 36 of the submissions do not count toward it. Last evaluated 2016-09-08.

Conditions:
Inherited ovarian cancer (without breast cancer).
Breast and/or ovarian cancer. Identifiers: MedGen CN221562.
Hereditary cancer-predisposing syndrome. Also called: Neoplastic Syndromes, Hereditary; Tumor predisposition; Hereditary Cancer Syndrome; Hereditary neoplastic syndrome. Identifiers: Orphanet 140162, MedGen C0027672, MeSH D009386, MONDO:0015356.
Hereditary breast ovarian cancer syndrome. Also called: Hereditary breast and/or ovarian cancer syndrome; Hereditary breast and ovarian cancer; Hereditary breast and ovarian cancer syndrome (HBOC); Breast and ovarian cancer; BRCA1- and BRCA2-Associated Hereditary Breast and Ovarian Cancer; Hereditary breast and ovarian cancer syndrome. Identifiers: Orphanet 145, MedGen C0677776, MeSH D061325, MONDO:0003582. Disease mechanism: loss of function.
Prostate cancer. Also called: Malignant tumor of prostate. Identifiers: Orphanet 1331, MedGen C0376358, MONDO:0008315, HP:0012125.
Breast-ovarian cancer, familial, susceptibility to, 2 (BROVCA2). Also called: BRCA2 Hereditary Breast and Ovarian Cancer. Identifiers: Orphanet 145, MedGen C2675520, MONDO:0012933, OMIM 612555. Disease mechanism: loss of function.
Breast-ovarian cancer, familial, susceptibility to, 1 (BROVCA1). Also called: OVARIAN CANCER, SUSCEPTIBILITY TO; BRCA1 Hereditary Breast and Ovarian Cancer. Identifiers: Orphanet 145, MedGen C2676676, MONDO:0011450, OMIM 604370. Disease mechanism: loss of function.
Endometrial carcinoma. Also called: Endometrial carcinoma, somatic. Identifiers: MedGen C0476089, MONDO:0002447, OMIM 608089, HP:0012114.
Familial cancer of breast. Also called: Hereditary breast cancer; BREAST CANCER, FAMILIAL; hereditary breast carcinoma. Identifiers: Orphanet 227535, MedGen C0346153, MONDO:0016419, OMIM 114480. Disease mechanism: loss of function.

Allele frequency attached by ClinVar (database versions not stated): gnomAD exomes below 0.00001; TOPMed below 0.00001.

Submissions 1 to 9 of 37:

Evidence-based Network for the Interpretation of Germline Mutant Alleles (ENIGMA)
Classification: Pathogenic for Breast-ovarian cancer, familial, susceptibility to, 2. Last evaluated: 2016-09-08. Review status: reviewed by expert panel. Criteria: ENIGMA BRCA1/2 Classification Criteria (2015). Collection method: curation. Allele origin: germline.
Comment: Variant allele predicted to encode a truncated non-functional protein.

Labcorp Genetics (formerly Invitae), Labcorp
Classification: Pathogenic for Hereditary breast ovarian cancer syndrome. Last evaluated: 2026-01-05. Review status: criteria provided, single submitter. Criteria: Invitae Variant Classification Sherloc (09022015). Collection method: clinical testing. Allele origin: germline. Not counted in ClinVar's aggregate classification.
Comment: This sequence change creates a premature translational stop signal (p.Glu2198Asnfs*4) in the BRCA2 gene. It is expected to result in an absent or disrupted protein product. Loss-of-function variants in BRCA2 are known to be pathogenic (PMID: 20104584). This variant is present in population databases (rs80359605, gnomAD 0.003%). This premature translational stop signal has been observed in individual(s) with breast, ovarian, and prostate cancer (PMID: 8524414, 16683254, 20736950, 21324516, 23569316, 26187060, 26219728). It has also been observed to segregate with disease in related individuals. This variant is also known as 6819delTG. ClinVar contains an entry for this variant (Variation ID: 9319). For these reasons, this variant has been classified as Pathogenic.

CeGaT Center for Human Genetics Tuebingen
Classification: Pathogenic. Last evaluated: 2025-12-01. Review status: criteria provided, single submitter. Criteria: CeGaT Center For Human Genetics Tuebingen Variant Classification Criteria Version 2. Collection method: clinical testing. Allele origin: germline. Affected: yes. Observed: 1 variant allele. Not counted in ClinVar's aggregate classification.
Comment: BRCA2: PVS1, PS4, PM2

Color Diagnostics, LLC DBA Color Health
Classification: Pathogenic for Hereditary cancer-predisposing syndrome. Last evaluated: 2025-09-03. Review status: criteria provided, single submitter. Criteria: ACMG Guidelines, 2015. Collection method: clinical testing. Allele origin: germline. Not counted in ClinVar's aggregate classification.
Comment: This variant deletes 2 nucleotides in exon 11 of the BRCA2 gene, creating a frameshift and premature translation stop signal. This variant is expected to result in an absent or non-functional protein product. This variant has been reported in more than 10 individuals affected with breast, ovarian, or prostate cancer (PMID: 16683254, 21324516, 23569316, 26187060, 26219728, 27433846, 29371908, 32438681, 35908255). A multifactorial analysis has reached a combined likelihood ratio (LR) of 15.888 based on reported LR for co-occurrence with a pathogenic variant and personal and family history for 8 carriers (PMID: 31853058). This variant has been identified in 1/246418 chromosomes in the general population by the Genome Aggregation Database (gnomAD). Loss of BRCA2 function is a known mechanism of disease. Based on the available evidence, this variant is classified as Pathogenic.

Genetics Laboratory, Great Ormond Street Hospital NHS Foundation Trust, North Thames Genomic Laboratory Hub
Classification: Pathogenic for Inherited ovarian cancer (without breast cancer). Last evaluated: 2025-08-28. Review status: criteria provided, single submitter. Criteria: CanVIG BRCA Gene Specific V1.22. Collection method: clinical testing. Allele origin: germline. Affected: yes. Not counted in ClinVar's aggregate classification.
Comment: PM2_supporting, PVS1_very-strong, PM5_strong

Clinical Genetics Laboratory, Skane University Hospital Lund
Classification: Pathogenic for Hereditary breast ovarian cancer syndrome. Last evaluated: 2025-07-24. Review status: criteria provided, single submitter. Criteria: ACMG Guidelines, 2015. Collection method: clinical testing. Allele origin: germline. Affected: yes. Not counted in ClinVar's aggregate classification.
Comment: Reviewed by expert panel Evidence-based Network for the Interpretation of Germline Mutant Alleles (ENIGMA) as pathogenic.

Quest Diagnostics Nichols Institute San Juan Capistrano
Classification: Pathogenic. Last evaluated: 2025-07-24. Review status: criteria provided, single submitter. Criteria: Quest Diagnostics criteria. Collection method: clinical testing. Allele origin: unknown. Not counted in ClinVar's aggregate classification.
Comment: The BRCA2 c.6591_6592del (p.Glu2198Asnfs*4) variant alters the translational reading frame of the BRCA2 mRNA and causes the premature termination of BRCA2 protein synthesis. This variant has been reported in the published literature in individuals with breast and/or ovarian cancer (PMIDs: 21324516 (2011), 29371908 (2018), 30702160 (2019), 32438681 (2020), and 35908255 (2023)), pancreatic cancer (PMID: 39029294 (2024)), and prostate cancer (PMIDs: 20736950 (2010), 23569316 (2013), and 27433846 (2016)). The frequency of this variant in the general population (Genome Aggregation Database) is consistent with pathogenicity. Based on the available information, this variant is classified as pathogenic.

Variantyx, Inc.
Classification: Pathogenic for Breast-ovarian cancer, familial, susceptibility to, 2. Last evaluated: 2025-07-22. Review status: criteria provided, single submitter. Criteria: Variantyx Assertion Criteria 2022. Collection method: clinical testing. Allele origin: germline. Inheritance: Autosomal dominant inheritance. Affected: yes. Not counted in ClinVar's aggregate classification.
Comment: This is a frameshift variant in the BRCA2 gene (OMIM: 600185). Pathogenic variants in this gene have been associated with autosomal dominant susceptibility to familial breast-ovarian cancer 2. This variant introduces a premature termination codon in exon 11 out of 27 and is expected to result in loss of function, which is a known disease mechanism for BRCA2 in this disorder (PMID: 20301425) (PVS1). It has been reported in several unrelated affected individuals (PMID: 8524414, 16683254, 20736950, 21324516, 23569316, 26187060, 26219728) and it has a 0.0012% maximum allele frequency in non-founder control populations. Other reputable laboratories have reported this variant as pathogenic or likely pathogenic, and this classification has been validated by an expert panel in ClinVar. Based on the current evidence, this variant is classified as pathogenic for autosomal dominant susceptibility to familial breast-ovarian cancer 2.

Ambry Genetics
Classification: Pathogenic for Hereditary cancer-predisposing syndrome. Last evaluated: 2025-04-17. Review status: criteria provided, single submitter. Criteria: Ambry Variant Classification Scheme 2023. Collection method: clinical testing. Allele origin: germline. Not counted in ClinVar's aggregate classification.
Comment: The c.6591_6592delTG pathogenic mutation, located in coding exon 10 of the BRCA2 gene, results from a deletion of two nucleotides at nucleotide positions 6591 to 6592, causing a translational frameshift with a predicted alternate stop codon (p.E2198Nfs*4). This alteration has been detected in multiple individuals with personal and/or family history consistent with hereditary breast and ovarian cancer (HBOC) syndrome; including diagnoses of breast cancer, prostate cancer, ovarian cancer, malignant pleural mesothelioma, and/or pancreatic cancer (Wooster R et al. Nature. 1995 Dec;378:789-92; Hahn SA et al. J. Natl. Cancer Inst. 2003 Feb;95:214-21; van der Hout AH et al. Hum. Mutat., 2006 Jul;27:654-66; Edwards SM et al. Br. J. Cancer. 2010 Sep;103:918-24; Zhang S et al. Gynecol. Oncol. 2011 May;121:353-7; Castro E et al. J. Clin. Oncol., 2013 May;31:1748-57; Pritchard CC et al. N. Engl. J. Med. 2016 Aug;375:443-53; Betti M et al. Cancer Lett., 2017 10;405:38-45; Dominguez-Valentin M et al. Hered Cancer Clin Pract, 2018 Jan;16:4). Of note, this mutation is also designated as 6819delTG in published literature. In addition to the clinical data presented in the literature, this alteration is expected to result in loss of function by premature protein truncation or nonsense-mediated mRNA decay. As such, this alteration is interpreted as a disease-causing mutation.